The following is an entry in ClinVar:

NM_052867.4(NALCN):c.2241C>T (p.Pro747=)

Gene: NALCN (sodium leak channel, non-selective; minus strand). Cytogenetic location: 13q33.1.
Variant type: single nucleotide variant.
Coding change: c.2241C>T on transcript NM_052867.4 (MANE Select); coding-DNA position 2241, C replaced by T.
Protein change: p.Pro747=; no amino-acid change (proline 747 retained).
Molecular consequence: synonymous variant.
Genome position (GRCh38, 1-based): chr13:101,111,178, G>A on the plus strand (C>T on the coding strand, the complement: NALCN is on the minus strand). VCF-style: chr13-101111178-G-A. GRCh37 (hg19) VCF-style: chr13-101763529-G-A.
Other names: c.2328C>T, p.Pro776= (NM_001350748.2); c.2241C>T, p.Pro747= (NM_001350749.2); c.2154C>T, p.Pro718= (NM_001350750.2, NM_001350751.2).
Identifiers: ClinVar variation 262254 (VCV000262254.34), dbSNP rs79264337, ClinGen allele CA7035779.

ClinVar aggregate classification (germline): Benign/Likely benign. Review status: criteria provided, multiple submitters, no conflicts (2 of 4 stars). 8 submissions from 8 submitters: Benign (3); Likely benign (4). 1 of the submissions does not count toward it. Last evaluated 2025-12-28.

Conditions:
Hypotonia, infantile, with psychomotor retardation and characteristic facies 1 (INNFD). Identifiers: Orphanet 371364, Orphanet 700336, MedGen C3809454, MONDO:0024567, OMIM 615419.
Congenital contractures of the limbs and face, hypotonia, and developmental delay (CLIFAHDD). Identifiers: Orphanet 562528, MedGen C4225398, MONDO:0014556, OMIM 616266.
NALCN-related disorder. Also called: NALCN-related condition; NALCN-related disorders.

Allele frequency attached by ClinVar (database versions not stated): gnomAD exomes 0.00277 and 0.00355; ExAC 0.00285; 1000 Genomes Project 0.00319; 1000 Genomes Project 30x 0.00328; gnomAD 0.00499 and 0.00512; TOPMed 0.00532; ESP Exome Variant Server 0.00684.
gnomAD v4.1: 5,974 of 1,608,526 alleles (0.37%); highest among the groups gnomAD compares: African/African-American, 1%; 12 homozygotes.

Submissions (8):

Labcorp Genetics (formerly Invitae), Labcorp
Classification: Benign. Last evaluated: 2025-12-28. Review status: criteria provided, single submitter. Criteria: Invitae Variant Classification Sherloc (09022015). Collection method: clinical testing. Allele origin: germline.

CeGaT Center for Human Genetics Tuebingen
Classification: Likely benign. Last evaluated: 2025-07-01. Review status: criteria provided, single submitter. Criteria: CeGaT Center For Human Genetics Tuebingen Variant Classification Criteria Version 2. Collection method: clinical testing. Allele origin: germline. Affected: yes. Observed: 2 variant alleles.
Comment: NALCN: BP4, BP7, BS1

Blueprint Genetics
Classification: Likely benign. Last evaluated: 2024-11-26. Review status: criteria provided, single submitter. Criteria: ACMG Guidelines, 2015. Collection method: clinical testing. Allele origin: germline.

ARUP Laboratories, Molecular Genetics and Genomics, ARUP Laboratories
Classification: Benign. Last evaluated: 2024-05-31. Review status: criteria provided, single submitter. Criteria: ARUP Molecular Germline Variant Investigation Process 2024. Collection method: clinical testing. Allele origin: germline.

Fulgent Genetics
Classification: Likely benign for Hypotonia, infantile, with psychomotor retardation and characteristic facies 1; Congenital contractures of the limbs and face, hypotonia, and developmental delay. Last evaluated: 2021-12-22. Review status: criteria provided, single submitter. Criteria: ACMG Guidelines, 2015. Collection method: clinical testing. Allele origin: unknown.

GeneDx
Classification: Benign. Last evaluated: 2018-09-05. Review status: criteria provided, single submitter. Criteria: GeneDx Variant Classification Process June 2021. Collection method: clinical testing. Allele origin: germline. Affected: yes.

Breakthrough Genomics
Classification: Likely benign. Review status: criteria provided, single submitter. Criteria: ACMG Guidelines, 2015. Collection method: not provided. Allele origin: germline. Inheritance: Autosomal recessive inheritance. Affected: yes.

PreventionGenetics, part of Exact Sciences
Classification: Benign for NALCN-related condition. Last evaluated: 2019-09-05. Review status: no assertion criteria provided. Collection method: clinical testing. Allele origin: germline. Not counted in ClinVar's aggregate classification.
Comment: This variant is classified as benign based on ACMG/AMP sequence variant interpretation guidelines (Richards et al. 2015 PMID: 25741868, with internal and published modifications).